The following is an entry in ClinVar:

ClinVar aggregate classification (germline): Likely benign (1 of 4 stars; one submission).

Submission:

CeGaT Center for Human Genetics Tuebingen
Classification: Likely benign. Last evaluated: 2026-09-01. Review status: criteria provided, single submitter. Criteria: CeGaT Center For Human Genetics Tuebingen Variant Classification Criteria Version 2. Collection method: clinical testing. Allele origin: germline. Affected: yes. Observed: 2 variant alleles.
Comment: IQSEC2: BS2

NM_001243197.2(IQSEC2):c.127GAG[7] (p.Glu48_Thr49insGlu)

Gene: IQSEC2 (IQ motif and Sec7 domain ArfGEF 2; minus strand). Cytogenetic location: Xp11.22.
Variant type: Microsatellite.
Coding change: c.127GAG[7] on transcript NM_001243197.2 (MANE Plus Clinical); seven copies in a row of the 3-base unit GAG starting at c.127; the reference has six copies in a row; one copy, 3 bases duplicated.
Protein change: p.Glu48_Thr49insGlu.
Molecular consequence: inframe insertion. On other transcripts: intron variant (7).
Genome position (GRCh38, 1-based): chrX:53,267,043-53,267,045, CTC duplicated on the plus strand (GAG on the coding strand, the reverse complement: IQSEC2 is on the minus strand); duplicating any 3 consecutive bases within chrX:53,267,043-53,267,060 gives the same sequence; the position shown is the placement nearest the transcript's 3' end. VCF-style (leftmost placement, unchanged base first): chrX-53267042-T-TCTC. GRCh37 (hg19) VCF-style: chrX-53296224-T-TCTC.
Other names: c.738-10999GAG[7] (NM_001441092.1, NM_001410736.1, NM_001111125.3); c.27-10999GAG[7] (NM_001441095.1, NM_001441094.1); c.123-10999GAG[7] (NM_015075.2); c.240-10999GAG[7] (NM_001441093.1).
Identifiers: ClinVar variation 4821323 (VCV004821323.4).